The following is an entry in ClinVar:

ClinVar aggregate classification (germline): Uncertain significance. Review status: criteria provided, multiple submitters, no conflicts (2 of 4 stars). 4 submissions from 4 submitters: Uncertain significance (4). Last evaluated 2024-11-01.

Conditions:
Autosomal recessive mendelian susceptibility to mycobacterial diseases due to complete RORgamma receptor deficiency. Also called: Immunodeficiency 42. Identifiers: Orphanet 477857, MedGen C5567647, MONDO:0014710, OMIM 616622.

Allele frequency attached by ClinVar (database versions not stated): TOPMed 0.00007; ESP Exome Variant Server 0.00008; gnomAD 0.00009; gnomAD exomes 0.00017; ExAC 0.00019; 1000 Genomes Project 0.00020; 1000 Genomes Project 30x 0.00031.
gnomAD v4.1: 92 of 1,613,924 alleles (0.0057%); highest among the groups gnomAD compares: Admixed American, 0.055%; no homozygotes.

Submissions (4):

CeGaT Center for Human Genetics Tuebingen
Classification: Uncertain significance. Last evaluated: 2024-11-01. Review status: criteria provided, single submitter. Criteria: CeGaT Center For Human Genetics Tuebingen Variant Classification Criteria Version 2. Collection method: clinical testing. Allele origin: germline. Affected: yes. Observed: 1 variant allele.
Comment: RORC: PM2

Blueprint Genetics
Classification: Uncertain significance. Last evaluated: 2024-10-09. Review status: criteria provided, single submitter. Criteria: ACMG Guidelines, 2015. Collection method: clinical testing. Allele origin: germline.

Labcorp Genetics (formerly Invitae), Labcorp
Classification: Uncertain significance for Autosomal recessive mendelian susceptibility to mycobacterial diseases due to complete RORgamma receptor deficiency. Last evaluated: 2022-08-16. Review status: criteria provided, single submitter. Criteria: Invitae Variant Classification Sherloc (09022015). Collection method: clinical testing. Allele origin: germline.
Comment: This sequence change replaces valine, which is neutral and non-polar, with methionine, which is neutral and non-polar, at codon 493 of the RORC protein (p.Val493Met). This variant is present in population databases (rs138308209, gnomAD 0.08%). This variant has not been reported in the literature in individuals affected with RORC-related conditions. ClinVar contains an entry for this variant (Variation ID: 252645). Algorithms developed to predict the effect of missense changes on protein structure and function (SIFT, PolyPhen-2, Align-GVGD) all suggest that this variant is likely to be tolerated. In summary, the available evidence is currently insufficient to determine the role of this variant in disease. Therefore, it has been classified as a Variant of Uncertain Significance.

Genomic Diagnostic Laboratory, Division of Genomic Diagnostics, Children's Hospital of Philadelphia
Classification: Uncertain significance. Last evaluated: 2015-11-24. Review status: criteria provided, single submitter. Criteria: DGD Variant Analysis Guidelines. Collection method: clinical testing. Allele origin: unknown.

NM_005060.4(RORC):c.1477G>A (p.Val493Met)

Gene: RORC (RAR related orphan receptor C; minus strand). Cytogenetic location: 1q21.3.
Variant type: single nucleotide variant.
Coding change: c.1477G>A on transcript NM_005060.4 (MANE Select); coding-DNA position 1477, G replaced by A.
Protein change: p.Val493Met; replaces valine 493 with methionine.
Molecular consequence: missense variant.
Genome position (GRCh38, 1-based): chr1:151,807,552, C>T on the plus strand (G>A on the coding strand, the complement: RORC is on the minus strand). VCF-style: chr1-151807552-C-T. GRCh37 (hg19) VCF-style: chr1-151780028-C-T.
Other names: c.1477G>A, p.Val493Met (LRG_1322t1); c.1414G>A, p.Val472Met (LRG_1322t2, NM_001001523.2); short protein forms V493M, V472M.
Identifiers: ClinVar variation 252645 (VCV000252645.21), dbSNP rs138308209, ClinGen allele CA1095644.